The following is an entry in ClinVar:

ClinVar aggregate classification (germline): Benign. Review status: criteria provided, single submitter (1 of 4 stars). 2 submissions from 2 submitters: Benign (1). 1 of the submissions does not count toward it. Last evaluated 2019-04-19.

Conditions:
Diabetes mellitus type 2, susceptibility to. Identifiers: MedGen C3837967.

Submissions (2):

GeneDx
Classification: Benign. Last evaluated: 2019-04-19. Review status: criteria provided, single submitter. Criteria: GeneDx Variant Classification Process June 2021. Collection method: clinical testing. Allele origin: germline. Affected: yes.
Comment: This variant is associated with the following publications: (PMID: 24148075, 26296198, 23512162, 22411136, 22210315, 21364139)

OMIM
Classification: risk factor for TYPE 2 DIABETES MELLITUS, SUSCEPTIBILITY TO. Last evaluated: 2011-03-02. Review status: no assertion criteria provided. Collection method: literature only. Allele origin: germline. Not counted in ClinVar's aggregate classification.

Literature cited by the submitters: PubMed 21364139 (cited by OMIM); PubMed 15924147 (cited by OMIM).

NM_145899.3(HMGA1):c.136-14dup

Gene: HMGA1 (high mobility group AT-hook 1; plus strand). Cytogenetic location: 6p21.31.
Variant type: Duplication.
Coding change: c.136-14dup on transcript NM_145899.3 (MANE Select); 14 bases into the intron before coding-DNA position 136, one base duplicated (C; older notation c.136-14dupC).
Molecular consequence: intron variant.
Genome position (GRCh38, 1-based): chr6:34,242,698, C duplicated; the last of 5 consecutive C bases (chr6:34,242,694-34,242,698); duplicating any one gives the same sequence. VCF-style (leftmost placement, unchanged base first): chr6-34242693-A-AC. GRCh37 (hg19) VCF-style: chr6-34210470-A-AC.
Other names: c.136-14dup (NM_145901.3, NM_001319082.2, NM_001319078.2 and 2 more transcripts); c.103-14dup (NM_145902.3, NM_002131.4, NM_145903.3 and 2 more transcripts); c.136-17dup (NM_001319080.2).
Identifiers: ClinVar variation 1277118 (VCV001277118.2), dbSNP rs139876191, ClinGen allele CA3764441.